The following is an entry in ClinVar:

NM_006005.3(WFS1):c.181G>A (p.Ala61Thr)

Gene: WFS1 (wolframin ER transmembrane glycoprotein; plus strand). Cytogenetic location: 4p16.1.
Variant type: single nucleotide variant.
Coding change: c.181G>A on transcript NM_006005.3 (MANE Select); coding-DNA position 181, G replaced by A.
Protein change: p.Ala61Thr; replaces alanine 61 with threonine.
Molecular consequence: missense variant.
Genome position (GRCh38, 1-based): chr4:6,277,636, G>A. VCF-style: chr4-6277636-G-A. GRCh37 (hg19) VCF-style: chr4-6279363-G-A.
Other names: c.181G>A, p.Ala61Thr (NM_001145853.1); short protein forms A61T.
Identifiers: ClinVar variation 2139557 (VCV002139557.6), dbSNP rs768520452, ClinGen allele CA2838814.

ClinVar aggregate classification (germline): Uncertain significance. Review status: criteria provided, multiple submitters, no conflicts (2 of 4 stars). 3 submissions from 3 submitters: Uncertain significance (2). 1 of the submissions does not count toward it. Last evaluated 2024-06-17.

Conditions:
Autosomal dominant nonsyndromic hearing loss 6 (LFSNHL). Also called: Autosomal dominant nonsyndromic deafness 6; DEAFNESS, AUTOSOMAL DOMINANT 6; DEAFNESS, AUTOSOMAL DOMINANT 14; DEAFNESS, AUTOSOMAL DOMINANT 38. Identifiers: Orphanet 90635, MedGen C1833021, MONDO:0010963, OMIM 600965.
Type 2 diabetes mellitus. Also called: Type II diabetes mellitus. Identifiers: MedGen C0011860, MeSH D003924, MONDO:0005148, OMIM 125853, HP:0005978.
Wolfram syndrome 1 (WFS1). Identifiers: Orphanet 3463, MedGen C4551693, MONDO:0009101, OMIM 222300.
Wolfram-like syndrome. Also called: HEARING LOSS, PROGRESSIVE, WITH OPTIC ATROPHY AND/OR IMPAIRED GLUCOSE REGULATION. Identifiers: Orphanet 411590, MedGen C3280358, MONDO:0013673, OMIM 614296.
Cataract 41 (CTRCT41). Also called: CATARACT 41, CONGENITAL NUCLEAR TYPE. Identifiers: Orphanet 91492, Orphanet 98991, Orphanet 98992, Orphanet 98995, MedGen C3805412, MONDO:0007287, OMIM 116400.
WFS1-related disorder. Identifiers: MedGen CN379391, MONDO:0700293.

Allele frequency attached by ClinVar (database versions not stated): TOPMed below 0.00001; gnomAD 0.00001; gnomAD exomes 0.00001.
gnomAD v4.1: 18 of 1,568,714 alleles (0.0011%); highest among the groups gnomAD compares: Middle Eastern, 0.017%; no homozygotes.

Submissions (3):

Fulgent Genetics
Classification: Uncertain significance for Cataract 41; Type 2 diabetes mellitus; Wolfram syndrome 1; Autosomal dominant nonsyndromic hearing loss 6; Wolfram-like syndrome. Last evaluated: 2024-06-17. Review status: criteria provided, single submitter. Criteria: ACMG Guidelines, 2015. Collection method: clinical testing. Allele origin: germline.

Labcorp Genetics (formerly Invitae), Labcorp
Classification: Uncertain significance. Last evaluated: 2023-02-01. Review status: criteria provided, single submitter. Criteria: Invitae Variant Classification Sherloc (09022015). Collection method: clinical testing. Allele origin: germline.
Comment: In summary, the available evidence is currently insufficient to determine the role of this variant in disease. Therefore, it has been classified as a Variant of Uncertain Significance. Advanced modeling of protein sequence and biophysical properties (such as structural, functional, and spatial information, amino acid conservation, physicochemical variation, residue mobility, and thermodynamic stability) performed at Invitae indicates that this missense variant is not expected to disrupt WFS1 protein function. This variant has not been reported in the literature in individuals affected with WFS1-related conditions. The frequency data for this variant in the population databases is considered unreliable, as metrics indicate poor data quality at this position in the gnomAD database. This sequence change replaces alanine, which is neutral and non-polar, with threonine, which is neutral and polar, at codon 61 of the WFS1 protein (p.Ala61Thr).

PreventionGenetics, part of Exact Sciences
Classification: Uncertain significance for WFS1-related condition. Last evaluated: 2024-06-07. Review status: no assertion criteria provided. Collection method: clinical testing. Allele origin: germline. Not counted in ClinVar's aggregate classification.
Comment: The WFS1 c.181G>A variant is predicted to result in the amino acid substitution p.Ala61Thr. To our knowledge, this variant has not been reported in the literature. This variant is reported in 0.0042% of alleles in individuals of South Asian descent in gnomAD. At this time, the clinical significance of this variant is uncertain due to the absence of conclusive functional and genetic evidence.